The following is an entry in ClinVar:

NM_001379659.1(ZNF142):c.3628T>C (p.Ser1210Pro)

Gene: ZNF142 (zinc finger protein 142; minus strand). Cytogenetic location: 2q35.
Variant type: single nucleotide variant.
Coding change: c.3628T>C on transcript NM_001379659.1 (MANE Select); coding-DNA position 3628, T replaced by C.
Protein change: p.Ser1210Pro; replaces serine 1210 with proline.
Molecular consequence: missense variant.
Genome position (GRCh38, 1-based): chr2:218,643,488, A>G on the plus strand (T>C on the coding strand, the complement: ZNF142 is on the minus strand). VCF-style: chr2-218643488-A-G. GRCh37 (hg19) VCF-style: chr2-219508211-A-G.
Other names: c.3028T>C, p.Ser1010Pro (NM_001105537.5, NM_001379662.1, NM_001366291.3); c.3628T>C, p.Ser1210Pro (NM_001379660.1, NM_001379661.1, NM_001366290.3); c.2539T>C, p.Ser847Pro (NM_001366287.3, NM_001366288.3, NM_001366289.3); short protein forms S1010P, S1210P, S847P.
Identifiers: ClinVar variation 1241508 (VCV001241508.5), dbSNP rs61733644, ClinGen allele CA2108953.

ClinVar aggregate classification (germline): Benign. Review status: criteria provided, multiple submitters, no conflicts (2 of 4 stars). 3 submissions from 3 submitters: Benign (2). 1 of the submissions does not count toward it. Last evaluated 2021-05-09.

Conditions:
ZNF142-related disorder. Also called: ZNF142-related condition.

Allele frequency attached by ClinVar (database versions not stated): 1000 Genomes Project 30x 0.01811; gnomAD exomes 0.00406; ESP Exome Variant Server 0.01622; 1000 Genomes Project 0.01797; ExAC 0.00501; TOPMed 0.01781.

Submissions (3):

GeneDx
Classification: Benign. Last evaluated: 2021-05-09. Review status: criteria provided, single submitter. Criteria: GeneDx Variant Classification Process June 2021. Collection method: clinical testing. Allele origin: germline. Affected: yes.

Breakthrough Genomics
Classification: Benign. Review status: criteria provided, single submitter. Criteria: ACMG Guidelines, 2015. Collection method: not provided. Allele origin: germline. Inheritance: Autosomal recessive inheritance. Affected: yes.

PreventionGenetics, part of Exact Sciences
Classification: Benign for ZNF142-related condition. Last evaluated: 2024-03-11. Review status: no assertion criteria provided. Collection method: clinical testing. Allele origin: germline. Not counted in ClinVar's aggregate classification.
Comment: This variant is classified as benign based on ACMG/AMP sequence variant interpretation guidelines (Richards et al. 2015 PMID: 25741868, with internal and published modifications).